The following is an entry in ClinVar:

ClinVar aggregate classification (germline): Pathogenic/Likely pathogenic. Review status: criteria provided, multiple submitters, no conflicts (2 of 4 stars). 5 submissions from 5 submitters: Pathogenic (2); Likely pathogenic (3). Last evaluated 2026-04-09.

Conditions:
Joubert syndrome 17 (JBTS17). Identifiers: Orphanet 475, MedGen C3553264, MONDO:0013824, OMIM 614615.
C5ORF42-related disorders.
Orofaciodigital syndrome type 6 (OFD6). Also called: OROFACIODIGITAL SYNDROME VI; OFDS VI; POLYDACTYLY, CLEFT LIP/PALATE OR LINGUAL LUMP, AND PSYCHOMOTOR RETARDATION; VARADI SYNDROME; VARADI-PAPP SYNDROME; Oral-facial-digital syndrome type 6. Identifiers: Orphanet 2754, MedGen C2745997, MONDO:0010176, OMIM 277170.
Inborn genetic diseases. Identifiers: MedGen C0950123, MeSH D030342.

Allele frequency attached by ClinVar (database versions not stated): ExAC 0.00003; gnomAD exomes 0.00003; gnomAD 0.00007.
gnomAD v4.1: 37 of 1,593,830 alleles (0.0023%); highest among the groups gnomAD compares: Admixed American, 0.0091%; no homozygotes.

Submissions (5):

Ambry Genetics
Classification: Pathogenic for Inborn genetic diseases. Last evaluated: 2026-04-09. Review status: criteria provided, single submitter. Criteria: Ambry Variant Classification Scheme 2023. Collection method: clinical testing. Allele origin: germline.
Comment: The c.3676C>T (p.R1226*) alteration, located in exon 21 (coding exon 20) of the CPLANE1 gene, consists of a C to T substitution at nucleotide position 3676. This changes the amino acid from an arginine (R) to a stop codon at amino acid position 1226. This variant is expected to result in loss of function by premature protein truncation or nonsense-mediated mRNA decay. Based on data from gnomAD, the T allele has an overall frequency of 0.005% (12/263260) total alleles studied. This variant has been identified in the homozygous state and/or in conjunction with other CPLANE1 variant(s) in individual(s) with features consistent with CPLANE1-related ciliopathy; in at least one instance, the variants were identified in trans (D'Abrusco, 2025). Based on the available evidence, this alteration is classified as pathogenic.

Labcorp Genetics (formerly Invitae), Labcorp
Classification: Pathogenic. Last evaluated: 2025-11-24. Review status: criteria provided, single submitter. Criteria: Invitae Variant Classification Sherloc (09022015). Collection method: clinical testing. Allele origin: germline.
Comment: This sequence change creates a premature translational stop signal (p.Arg1226*) in the CPLANE1 gene. It is expected to result in an absent or disrupted protein product. Loss-of-function variants in CPLANE1 are known to be pathogenic (PMID: 24178751, 26092869). This variant is present in population databases (rs749421099, gnomAD 0.008%). This variant has not been reported in the literature in individuals affected with CPLANE1-related conditions. ClinVar contains an entry for this variant (Variation ID: 430272). For these reasons, this variant has been classified as Pathogenic.

Fulgent Genetics
Classification: Likely pathogenic for Orofaciodigital syndrome type 6; Joubert syndrome 17. Last evaluated: 2024-03-10. Review status: criteria provided, single submitter. Criteria: ACMG Guidelines, 2015. Collection method: clinical testing. Allele origin: germline.

Blueprint Genetics
Classification: Likely pathogenic for C5ORF42-related disorders. Last evaluated: 2024-03-09. Review status: criteria provided, single submitter. Criteria: ACMG Guidelines, 2015. Collection method: clinical testing. Allele origin: germline. Affected: yes. Observed: 5 variant alleles.

GeneDx
Classification: Likely pathogenic. Last evaluated: 2023-10-02. Review status: criteria provided, single submitter. Criteria: GeneDx Variant Classification Process June 2021. Collection method: clinical testing. Allele origin: germline. Affected: yes.
Comment: Nonsense variant predicted to result in protein truncation or nonsense mediated decay in a gene for which loss of function is a known mechanism of disease; Not observed at significant frequency in large population cohorts (gnomAD); Has not been previously published as pathogenic or benign to our knowledge; This variant is associated with the following publications: (PMID: 34091942, 25326804)

Literature cited by the submitters: PubMed 39394465 (cited by Ambry Genetics); PubMed 24178751 (cited by Labcorp Genetics (formerly Invitae), Labcorp); PubMed 26092869 (cited by Labcorp Genetics (formerly Invitae), Labcorp).

NM_001384732.1(CPLANE1):c.3676C>T (p.Arg1226Ter)

Gene: CPLANE1 (ciliogenesis and planar polarity effector complex subunit 1; minus strand). Cytogenetic location: 5p13.2.
Variant type: single nucleotide variant.
Coding change: c.3676C>T on transcript NM_001384732.1 (MANE Select); coding-DNA position 3676, C replaced by T.
Protein change: p.Arg1226Ter; replaces arginine 1226 with a stop codon.
Molecular consequence: nonsense.
Genome position (GRCh38, 1-based): chr5:37,195,993, G>A on the plus strand (C>T on the coding strand, the complement: CPLANE1 is on the minus strand). VCF-style: chr5-37195993-G-A. GRCh37 (hg19) VCF-style: chr5-37196095-G-A.
Other names: c.3676C>T, p.Arg1226Ter (NM_023073.4); short protein forms R1226*.
Identifiers: ClinVar variation 430272 (VCV000430272.16), dbSNP rs749421099, ClinGen allele CA3238873.